The following is an entry in ClinVar:

ClinVar aggregate classification (germline): Uncertain significance. Review status: criteria provided, multiple submitters, no conflicts (2 of 4 stars). 5 submissions from 5 submitters: Uncertain significance (5). Last evaluated 2025-12-10.

Conditions:
Myopathy, proximal, and ophthalmoplegia (CMYO6). Also called: INCLUSION BODY MYOPATHY 3, AUTOSOMAL DOMINANT; MYOPATHY WITH CONGENITAL JOINT CONTRACTURES, OPHTHALMOPLEGIA, AND RIMMED VACUOLES; CONGENITAL MYOPATHY 6 WITH OPHTHALMOPLEGIA. Identifiers: Orphanet 363677, Orphanet 79091, MedGen C1854106, MONDO:0011577, OMIM 605637.

Allele frequency attached by ClinVar (database versions not stated): ExAC 0.00013; gnomAD exomes 0.00013 and 0.00016; gnomAD 0.00017; 1000 Genomes Project 0.00020; TOPMed 0.00025; 1000 Genomes Project 30x 0.00031; ESP Exome Variant Server 0.00054.
gnomAD v4.1: 214 of 1,614,024 alleles (0.013%); highest among the groups gnomAD compares: African/African-American, 0.041%; no homozygotes.

Submissions (5):

Labcorp Genetics (formerly Invitae), Labcorp
Classification: Uncertain significance for Myopathy, proximal, and ophthalmoplegia. Last evaluated: 2025-12-10. Review status: criteria provided, single submitter. Criteria: Invitae Variant Classification Sherloc (09022015). Collection method: clinical testing. Allele origin: germline.
Comment: This sequence change replaces threonine, which is neutral and polar, with methionine, which is neutral and non-polar, at codon 1243 of the MYH2 protein (p.Thr1243Met). This variant is present in population databases (rs150829316, gnomAD 0.05%). This variant has not been reported in the literature in individuals affected with MYH2-related conditions. ClinVar contains an entry for this variant (Variation ID: 566257). Invitae Evidence Modeling of protein sequence and biophysical properties (such as structural, functional, and spatial information, amino acid conservation, physicochemical variation, residue mobility, and thermodynamic stability) indicates that this missense variant is not expected to disrupt MYH2 protein function with a negative predictive value of 80%. In summary, the available evidence is currently insufficient to determine the role of this variant in disease. Therefore, it has been classified as a Variant of Uncertain Significance.

Mayo Clinic Laboratories, Mayo Clinic
Classification: Uncertain significance. Last evaluated: 2025-07-16. Review status: criteria provided, single submitter. Criteria: ACMG Guidelines, 2015. Collection method: clinical testing. Allele origin: germline. Observed: 1 variant allele.
Comment: BP4_moderate

Fulgent Genetics
Classification: Uncertain significance for Myopathy, proximal, and ophthalmoplegia. Last evaluated: 2024-06-12. Review status: criteria provided, single submitter. Criteria: ACMG Guidelines, 2015. Collection method: clinical testing. Allele origin: germline.

GeneDx
Classification: Uncertain significance. Last evaluated: 2022-01-31. Review status: criteria provided, single submitter. Criteria: GeneDx Variant Classification Process June 2021. Collection method: clinical testing. Allele origin: germline. Affected: yes.
Comment: In silico analysis supports that this missense variant does not alter protein structure/function; Has not been previously published as pathogenic or benign to our knowledge

Revvity Omics, Revvity
Classification: Uncertain significance for Myopathy, proximal, and ophthalmoplegia. Last evaluated: 2019-11-25. Review status: criteria provided, single submitter. Criteria: ACMG Guidelines, 2015. Collection method: clinical testing. Allele origin: germline.

NM_017534.6(MYH2):c.3728C>T (p.Thr1243Met)

Genes: MYH2 (myosin heavy chain 2; minus strand), MYHAS (myosin heavy chain gene cluster antisense RNA; plus strand). Cytogenetic location: 17p13.1.
Variant type: single nucleotide variant.
Coding change: c.3728C>T on transcript NM_017534.6 (MANE Select); coding-DNA position 3728, C replaced by T.
Protein change: p.Thr1243Met; replaces threonine 1243 with methionine.
Molecular consequence: missense variant.
Genome position (GRCh38, 1-based): chr17:10,528,706, G>A on the plus strand (C>T on the coding strand, the complement: MYH2 is on the minus strand). VCF-style: chr17-10528706-G-A. GRCh37 (hg19) VCF-style: chr17-10432023-G-A.
Other names: p.Thr1243Met; c.3728C>T, p.Thr1243Met (NM_001100112.2); short protein forms T1243M.
Identifiers: ClinVar variation 566257 (VCV000566257.11), dbSNP rs150829316, ClinGen allele CA8390834.